The following is an entry in ClinVar:

ClinVar aggregate classification (germline): Likely benign (0 of 4 stars; one submission).

Conditions:
TMEM67-related disorder. Also called: TMEM67-related condition; TMEM67-related disorders. Identifiers: MedGen CN239423.

Allele frequency attached by ClinVar (database versions not stated): gnomAD exomes below 0.00001; TOPMed below 0.00001; ExAC 0.00002.
gnomAD v4.1: 2 of 1,613,884 alleles (0.00012%); highest among the groups gnomAD compares: Non-Finnish European, 0.00017%; no homozygotes.

Submission:

PreventionGenetics, part of Exact Sciences
Classification: Likely benign for TMEM67-related condition. Last evaluated: 2020-09-28. Review status: no assertion criteria provided. Collection method: clinical testing. Allele origin: germline.
Comment: This variant is classified as likely benign based on ACMG/AMP sequence variant interpretation guidelines (Richards et al. 2015 PMID: 25741868, with internal and published modifications).

NM_153704.6(TMEM67):c.2139T>G (p.Ser713=)

Gene: TMEM67 (transmembrane protein 67; plus strand). Cytogenetic location: 8q22.1.
Variant type: single nucleotide variant.
Coding change: c.2139T>G on transcript NM_153704.6 (MANE Select); coding-DNA position 2139, T replaced by G.
Protein change: p.Ser713=; no amino-acid change (serine 713 retained).
Molecular consequence: synonymous variant. On other transcripts: non-coding transcript variant (1).
Genome position (GRCh38, 1-based): chr8:93,799,656, T>G. VCF-style: chr8-93799656-T-G. GRCh37 (hg19) VCF-style: chr8-94811884-T-G.
Other names: c.1896T>G, p.Ser632= (NM_001142301.1).
Identifiers: ClinVar variation 3032329 (VCV003032329.2), dbSNP rs752689993, ClinGen allele CA4808212.